The following is an entry in ClinVar:

ClinVar aggregate classification (germline): Likely pathogenic. Review status: criteria provided, multiple submitters, no conflicts (2 of 4 stars). 3 submissions from 3 submitters: Likely pathogenic (3). Last evaluated 2025-12-14.

Conditions:
Joubert syndrome. Also called: JOUBERT-BOLTSHAUSER SYNDROME; Familial aplasia of the vermis. Identifiers: Orphanet 475, MedGen C5979921, MONDO:0018772.
Meckel-Gruber syndrome. Also called: DYSENCEPHALIA SPLANCHNOCYSTICA; GRUBER SYNDROME; Dysencephalia splachnocystica. Identifiers: Orphanet 564, MedGen C0265215, MONDO:0018921.

Allele frequency attached by ClinVar (database versions not stated): gnomAD exomes below 0.00001; TOPMed below 0.00001.
gnomAD v4.1: 2 of 1,606,410 alleles (0.00012%); highest among the groups gnomAD compares: Non-Finnish European, 0.00017%; no homozygotes.

Submissions (3):

Labcorp Genetics (formerly Invitae), Labcorp
Classification: Likely pathogenic for Joubert syndrome; Meckel-Gruber syndrome. Last evaluated: 2025-12-14. Review status: criteria provided, single submitter. Criteria: Invitae Variant Classification Sherloc (09022015). Collection method: clinical testing. Allele origin: germline.
Comment: This sequence change affects an acceptor splice site in intron 6 of the CC2D2A gene. It is expected to disrupt RNA splicing. Variants that disrupt the donor or acceptor splice site typically lead to a loss of protein function (PMID: 16199547), and loss-of-function variants in CC2D2A are known to be pathogenic (PMID: 19777577). This variant is present in population databases (no rsID available, gnomAD 0.0009%). This variant has not been reported in the literature in individuals affected with CC2D2A-related conditions. ClinVar contains an entry for this variant (Variation ID: 2073114). Algorithms developed to predict the effect of sequence changes on RNA splicing suggest that this variant may disrupt the consensus splice site. In summary, the currently available evidence indicates that the variant is pathogenic, but additional data are needed to prove that conclusively. Therefore, this variant has been classified as Likely Pathogenic.

GeneDx
Classification: Likely pathogenic. Last evaluated: 2023-12-01. Review status: criteria provided, single submitter. Criteria: GeneDx Variant Classification Process June 2021. Collection method: clinical testing. Allele origin: germline. Affected: yes.
Comment: Canonical splice site variant predicted to result in an in-frame loss of the adjacent exon in a gene for which loss of function is a known mechanism of disease; Not observed at significant frequency in large population cohorts (gnomAD); Reported previously in unaffected carriers; however, no further information was provided (PMID: 31964843); This variant is associated with the following publications: (PMID: 31964843)

Revvity Omics, Revvity
Classification: Likely pathogenic. Last evaluated: 2023-06-06. Review status: criteria provided, single submitter. Criteria: ACMG Guidelines, 2015. Collection method: clinical testing. Allele origin: germline.

Literature cited by the submitters: PubMed 16199547 (cited by Labcorp Genetics (formerly Invitae), Labcorp); PubMed 19777577 (cited by Labcorp Genetics (formerly Invitae), Labcorp).

NM_001378615.1(CC2D2A):c.337-2A>C

Genes: CC2D2A (coiled-coil and C2 domain containing 2A; plus strand), FBXL5 (F-box and leucine rich repeat protein 5; minus strand). Cytogenetic location: 4p15.32.
Variant type: single nucleotide variant.
Coding change: c.337-2A>C on transcript NM_001378615.1 (MANE Select); the canonical splice acceptor site of the intron before coding-DNA position 337, A replaced by C.
Molecular consequence: splice acceptor variant.
Genome position (GRCh38, 1-based): chr4:15,502,820, A>C. VCF-style: chr4-15502820-A-C. GRCh37 (hg19) VCF-style: chr4-15504443-A-C.
Other names: c.337-2A>C (NM_001080522.2); c.190-2A>C (NM_001378617.1).
Identifiers: ClinVar variation 2073114 (VCV002073114.7), dbSNP rs1323514351, ClinGen allele CA356408234.
Genomic context (GRCh38, chr4:15,502,820, plus strand): 5'-TACTGATTATTTCTCGGCATTCCTGACATCATGTAGCAGTAAATTTCTGTTTGACTTTTT[A>C]GTCCAAAGCAGAAAGTGCATTGCTGCAGGAAATCCCCACTCCTCGGCCCAGACGCTTACG-3'